The following is an entry in ClinVar:

ClinVar aggregate classification (germline): Likely benign. Review status: criteria provided, single submitter (1 of 4 stars). 2 submissions from 2 submitters: Likely benign (1). 1 of the submissions does not count toward it. Last evaluated 2025-08-30.

Conditions:
CDK5RAP2-related disorder. Also called: CDK5RAP2-related condition.

Allele frequency attached by ClinVar (database versions not stated): gnomAD 0.00001; TOPMed 0.00009.
gnomAD v4.1: 32 of 1,599,942 alleles (0.002%); highest among the groups gnomAD compares: Admixed American, 0.037%; no homozygotes.

Submissions (2):

Labcorp Genetics (formerly Invitae), Labcorp
Classification: Likely benign. Last evaluated: 2025-08-30. Review status: criteria provided, single submitter. Criteria: Invitae Variant Classification Sherloc (09022015). Collection method: clinical testing. Allele origin: germline.

PreventionGenetics, part of Exact Sciences
Classification: Likely benign for CDK5RAP2-related condition. Last evaluated: 2023-09-24. Review status: no assertion criteria provided. Collection method: clinical testing. Allele origin: germline. Not counted in ClinVar's aggregate classification.
Comment: This variant is classified as likely benign based on ACMG/AMP sequence variant interpretation guidelines (Richards et al. 2015 PMID: 25741868, with internal and published modifications).

NM_018249.6(CDK5RAP2):c.1911T>C (p.Leu637=)

Gene: CDK5RAP2 (CDK5 regulatory subunit associated protein 2; minus strand). Cytogenetic location: 9q33.2.
Variant type: single nucleotide variant.
Coding change: c.1911T>C on transcript NM_018249.6 (MANE Select); coding-DNA position 1911, T replaced by C.
Protein change: p.Leu637=; no amino-acid change (leucine 637 retained).
Molecular consequence: synonymous variant. On other transcripts: non-coding transcript variant (5).
Genome position (GRCh38, 1-based): chr9:120,470,168, A>G on the plus strand (T>C on the coding strand, the complement: CDK5RAP2 is on the minus strand). VCF-style: chr9-120470168-A-G. GRCh37 (hg19) VCF-style: chr9-123232446-A-G.
Other names: c.1911T>C (NM_018249.5); c.1908T>C, p.Leu636= (NM_001410992.1, NM_001410994.1, NM_001272039.2); c.1911T>C, p.Leu637= (NM_001410993.1, NM_001011649.3).
Identifiers: ClinVar variation 2753900 (VCV002753900.5), dbSNP rs755921046, ClinGen allele CA5214225.